The following is an entry in ClinVar:

ClinVar aggregate classification (germline): Uncertain significance (1 of 4 stars; one submission).

Conditions:
Cardiovascular phenotype. Identifiers: MedGen CN230736.

Submission:

Ambry Genetics
Classification: Uncertain significance for Cardiovascular phenotype. Last evaluated: 2025-06-01. Review status: criteria provided, single submitter. Criteria: Ambry Variant Classification Scheme 2023. Collection method: clinical testing. Allele origin: germline.
Comment: The p.E286D variant (also known as c.858A>T), located in coding exon 7 of the LAMA4 gene, results from an A to T substitution at nucleotide position 858. The glutamic acid at codon 286 is replaced by aspartic acid, an amino acid with highly similar properties. This amino acid position is conserved. In addition, this alteration is predicted to be tolerated by in silico analysis. Based on the available evidence, the clinical significance of this variant remains unclear.

NM_001105206.3(LAMA4):c.879A>T (p.Glu293Asp)

Gene: LAMA4 (laminin subunit alpha 4; minus strand). Cytogenetic location: 6q21.
Variant type: single nucleotide variant.
Coding change: c.879A>T on transcript NM_001105206.3 (MANE Select); coding-DNA position 879, A replaced by T.
Protein change: p.Glu293Asp; replaces glutamic acid 293 with aspartic acid.
Molecular consequence: missense variant.
Genome position (GRCh38, 1-based): chr6:112,187,537, T>A on the plus strand (A>T on the coding strand, the complement: LAMA4 is on the minus strand). VCF-style: chr6-112187537-T-A. GRCh37 (hg19) VCF-style: chr6-112508739-T-A.
Other names: c.858A>T, p.Glu286Asp (NM_001105207.3, NM_002290.5); short protein forms E293D, E286D.
Identifiers: ClinVar variation 4045961 (VCV004045961.1).